The following is an entry in ClinVar:

NM_006312.6(NCOR2):c.1496AGC[16] (p.Gln510_Pro511insGlnGlnGlnGln)

Gene: NCOR2 (nuclear receptor corepressor 2; minus strand). Cytogenetic location: 12q24.31.
Variant type: Microsatellite.
Coding change: c.1496AGC[16] on transcript NM_006312.6 (MANE Select); 16 copies in a row of the 3-base unit AGC starting at c.1496; the reference has 12 copies in a row; four copies, 12 bases duplicated.
Protein change: p.Gln510_Pro511insGlnGlnGlnGln.
Genome position (GRCh38, 1-based): chr12:124,402,513-124,402,524, GCTGCTGCTGCT duplicated on the plus strand (AGCAGCAGCAGC on the coding strand, the reverse complement: NCOR2 is on the minus strand); duplicating any 12 consecutive bases within chr12:124,402,513-124,402,549 gives the same sequence; the position shown is the placement nearest the transcript's 3' end. VCF-style (leftmost placement, unchanged base first): chr12-124402512-G-GGCTGCTGCTGCT. GRCh37 (hg19) VCF-style: chr12-124887058-G-GGCTGCTGCTGCT.
Other names: c.1493AGC[16], p.Gln509_Pro510insGlnGlnGlnGln (NM_001077261.4, NM_001206654.2).
Identifiers: ClinVar variation 3055805 (VCV003055805.2), dbSNP rs35831183, ClinGen allele CA6869461.

ClinVar aggregate classification (germline): Benign (0 of 4 stars; one submission).

Conditions:
NCOR2-related disorder. Also called: NCOR2-related condition.

Submission:

PreventionGenetics, part of Exact Sciences
Classification: Benign for NCOR2-related condition. Last evaluated: 2019-02-21. Review status: no assertion criteria provided. Collection method: clinical testing. Allele origin: germline.
Comment: This variant is classified as benign based on ACMG/AMP sequence variant interpretation guidelines (Richards et al. 2015 PMID: 25741868, with internal and published modifications).